The following is an entry in ClinVar:

NM_000264.5(PTCH1):c.366G>C (p.Glu122Asp)

Gene: PTCH1 (patched 1; minus strand). Cytogenetic location: 9q22.32.
Variant type: single nucleotide variant.
Coding change: c.366G>C on transcript NM_000264.5 (MANE Select); coding-DNA position 366, G replaced by C.
Protein change: p.Glu122Asp; replaces glutamic acid 122 with aspartic acid.
Molecular consequence: missense variant. On other transcripts: 5 prime UTR variant (4), non-coding transcript variant (1).
Genome position (GRCh38, 1-based): chr9:95,506,435, C>G on the plus strand (G>C on the coding strand, the complement: PTCH1 is on the minus strand). VCF-style: chr9-95506435-C-G. GRCh37 (hg19) VCF-style: chr9-98268717-C-G.
Other names: c.168G>C, p.Glu56Asp (NM_001083602.3, NM_001354919.2); c.363G>C, p.Glu121Asp (NM_001083603.3); c.-88G>C (NM_001083604.3, NM_001083605.3, NM_001083606.3 and 1 more transcripts); c.366G>C, p.Glu122Asp (NM_001354918.2); short protein forms E122D, E56D, E121D.
Identifiers: ClinVar variation 453861 (VCV000453861.12), dbSNP rs1479871006, ClinGen allele CA374120191.
Genomic context (GRCh38, chr9:95,506,435, plus strand): 5'-GGGGGCGCGGGCGCCGCGGCGGGCGCTCTTACCTTCCACCCACAGCTCCTCCACGTTGGT[C>G]TCGAGGTTCGCTGCTTTTAATCCCACCGCGAAGGCCCCAAATATGAGGAGGCCCACAACC-3'
Protein context (NP_000255.2, residues 112-132): FAVGLKAANL[Glu122Asp]TNVEELWVEV

ClinVar aggregate classification (germline): Conflicting classifications of pathogenicity. Review status: criteria provided, conflicting classifications (1 of 4 stars). 3 submissions from 3 submitters: Uncertain significance (2); Likely benign (1). Last evaluated 2025-11-02.

Conditions:
Hereditary cancer-predisposing syndrome. Also called: Tumor predisposition; Hereditary Cancer Syndrome; Neoplastic Syndromes, Hereditary; Hereditary neoplastic syndrome. Identifiers: Orphanet 140162, MedGen C0027672, MeSH D009386, MONDO:0015356.
Holoprosencephaly 7 (HPE7). Identifiers: Orphanet 2162, MedGen C1835820, MONDO:0012562, OMIM 610828.
Basal cell carcinoma, susceptibility to, 1. Also called: BCC1. Identifiers: MedGen C2751544, MONDO:0011556, OMIM 605462.
Basal cell nevus syndrome 1 (BCNS1). Also called: GORLIN-GOLTZ SYNDROME; MULTIPLE BASAL CELL NEVI, ODONTOGENIC KERATOCYSTS, AND SKELETAL ANOMALIES. Identifiers: MedGen CN376810, MONDO:0958174, OMIM 109400.
Gorlin syndrome. Also called: Basal cell nevus syndrome; Nevoid Basal Cell Carcinoma Syndrome. Identifiers: Orphanet 377, MedGen C0004779, MONDO:0007187.

Allele frequency attached by ClinVar (database versions not stated): gnomAD exomes below 0.00001.
gnomAD v4.1: 2 of 1,612,236 alleles (0.00012%); highest among the groups gnomAD compares: Admixed American, 0.0017%; no homozygotes.

Submissions (3):

Ambry Genetics
Classification: Uncertain significance for Hereditary cancer-predisposing syndrome. Last evaluated: 2025-11-02. Review status: criteria provided, single submitter. Criteria: Ambry Variant Classification Scheme 2023. Collection method: clinical testing. Allele origin: germline.
Comment: The p.E122D variant (also known as c.366G>C), located in coding exon 2 of the PTCH1 gene, results from a G to C substitution at nucleotide position 366. The glutamic acid at codon 122 is replaced by aspartic acid, an amino acid with highly similar properties. This amino acid position is conserved. In addition, the in silico prediction for this alteration is inconclusive. Since supporting evidence is limited at this time, the clinical significance of this alteration remains unclear.

Fulgent Genetics
Classification: Uncertain significance for Basal cell nevus syndrome 1; Basal cell carcinoma, susceptibility to, 1; Holoprosencephaly 7. Last evaluated: 2024-02-16. Review status: criteria provided, single submitter. Criteria: ACMG Guidelines, 2015. Collection method: clinical testing. Allele origin: germline.

Labcorp Genetics (formerly Invitae), Labcorp
Classification: Likely benign for Gorlin syndrome. Last evaluated: 2023-12-26. Review status: criteria provided, single submitter. Criteria: Invitae Variant Classification Sherloc (09022015). Collection method: clinical testing. Allele origin: germline.